The following is an entry in ClinVar:

ClinVar aggregate classification (germline): Uncertain significance. Review status: criteria provided, multiple submitters, no conflicts (2 of 4 stars). 2 submissions from 2 submitters: Uncertain significance (2). Last evaluated 2026-02-12.

Submissions (2):

GeneDx
Classification: Uncertain significance. Last evaluated: 2026-02-12. Review status: criteria provided, single submitter. Criteria: GeneDx Variant Classification Process June 2021. Collection method: clinical testing. Allele origin: germline.
Comment: Not observed at significant frequency in large population cohorts (gnomAD); In silico analysis supports that this missense variant has a deleterious effect on protein structure/function; Has not been previously published as pathogenic or benign to our knowledge

CeGaT Center for Human Genetics Tuebingen
Classification: Uncertain significance. Last evaluated: 2024-03-01. Review status: criteria provided, single submitter. Criteria: CeGaT Center For Human Genetics Tuebingen Variant Classification Criteria Version 2. Collection method: clinical testing. Allele origin: germline. Affected: yes. Observed: 1 variant allele.
Comment: NR4A2: PM2

NM_006186.4(NR4A2):c.1577A>G (p.Glu526Gly)

Gene: NR4A2 (nuclear receptor subfamily 4 group A member 2; minus strand). Cytogenetic location: 2q24.1.
Variant type: single nucleotide variant.
Coding change: c.1577A>G on transcript NM_006186.4 (MANE Select); coding-DNA position 1577, A replaced by G.
Protein change: p.Glu526Gly; replaces glutamic acid 526 with glycine.
Molecular consequence: missense variant.
Genome position (GRCh38, 1-based): chr2:156,325,964, T>C on the plus strand (A>G on the coding strand, the complement: NR4A2 is on the minus strand). VCF-style: chr2-156325964-T-C. GRCh37 (hg19) VCF-style: chr2-157182476-T-C.
Other names: c.1388A>G, p.Glu463Gly (NM_173173.3); c.1577A>G (NM_006186.3); short protein forms E463G, E526G.
Identifiers: ClinVar variation 3067505 (VCV003067505.22), dbSNP rs1686624399, ClinGen allele CA348679813.
Genomic context (GRCh38, chr2:156,325,964, plus strand): 5'-AACCCCCCATTGTTGAAAGTCACGTGGTCTTTGAGACAATTTACAATCTTGTTTTGCAGT[T>C]CTTCCACTCTCTTGGGTTCCTTGAGCCCGTGTCTCTCTGCAGAAAACATAATCAGAAACA-3'
Protein context (NP_006177.1, residues 516-536): HGLKEPKRVE[Glu526Gly]LQNKIVNCLK